The following is an entry in ClinVar:

NM_003924.4(PHOX2B):c.564G>T (p.Lys188Asn)

Gene: PHOX2B (paired like homeobox 2B; minus strand). Cytogenetic location: 4p13.
Variant type: single nucleotide variant.
Coding change: c.564G>T on transcript NM_003924.4 (MANE Select); coding-DNA position 564, G replaced by T.
Protein change: p.Lys188Asn; replaces lysine 188 with asparagine.
Molecular consequence: missense variant.
Genome position (GRCh38, 1-based): chr4:41,746,188, C>A on the plus strand (G>T on the coding strand, the complement: PHOX2B is on the minus strand). VCF-style: chr4-41746188-C-A. GRCh37 (hg19) VCF-style: chr4-41748205-C-A.
Other names: short protein forms K188N.
Identifiers: ClinVar variation 2141611 (VCV002141611.6), dbSNP rs1733892834, ClinGen allele CA356738014.
Genomic context (GRCh38, chr4:41,746,188, plus strand): 5'-GCAGCTGGGGGTGGGGTTGGGATTGGGACCTGGGCCCCCAGTGCTGTCCGGGTCAGTGCT[C>A]TTGGCCTCTTTGCTCTCGTCGTCCCTGGAAGAGTCAGACTTTTTGCCCGAGGAGCCGTTC-3'
Protein context (NP_003915.2, residues 178-198): SSRDDESKEA[Lys188Asn]STDPDSTGGP

ClinVar aggregate classification (germline): Uncertain significance. Review status: criteria provided, multiple submitters, no conflicts (2 of 4 stars). 3 submissions from 3 submitters: Uncertain significance (3). Last evaluated 2025-06-29.

Conditions:
Hereditary cancer-predisposing syndrome. Also called: Neoplastic Syndromes, Hereditary; Tumor predisposition; Hereditary neoplastic syndrome; Hereditary Cancer Syndrome. Identifiers: Orphanet 140162, MedGen C0027672, MeSH D009386, MONDO:0015356.
Haddad syndrome (OHD). Also called: Ondine-Hirschsprung disease. Identifiers: Orphanet 99803, MedGen C1859049, MONDO:0020493.

Submissions (3):

Ambry Genetics
Classification: Uncertain significance for Hereditary cancer-predisposing syndrome. Last evaluated: 2025-06-29. Review status: criteria provided, single submitter. Criteria: Ambry Variant Classification Scheme 2023. Collection method: clinical testing. Allele origin: germline.
Comment: The p.K188N variant (also known as c.564G>T), located in coding exon 3 of the PHOX2B gene, results from a G to T substitution at nucleotide position 564. The lysine at codon 188 is replaced by asparagine, an amino acid with similar properties. This amino acid position is conserved. In addition, this alteration is predicted to be tolerated by in silico analysis. Based on the available evidence, the clinical significance of this variant remains unclear.

GeneDx
Classification: Uncertain significance. Last evaluated: 2023-11-25. Review status: criteria provided, single submitter. Criteria: GeneDx Variant Classification Process June 2021. Collection method: clinical testing. Allele origin: germline. Affected: yes.
Comment: Not observed at significant frequency in large population cohorts (gnomAD); In silico analysis supports that this missense variant does not alter protein structure/function; Has not been previously published as pathogenic or benign to our knowledge

Labcorp Genetics (formerly Invitae), Labcorp
Classification: Uncertain significance for Haddad syndrome. Last evaluated: 2022-01-18. Review status: criteria provided, single submitter. Criteria: Invitae Variant Classification Sherloc (09022015). Collection method: clinical testing. Allele origin: germline.
Comment: This sequence change replaces lysine, which is basic and polar, with asparagine, which is neutral and polar, at codon 188 of the PHOX2B protein (p.Lys188Asn). This variant is not present in population databases (gnomAD no frequency). This variant has not been reported in the literature in individuals affected with PHOX2B-related conditions. Algorithms developed to predict the effect of missense changes on protein structure and function are either unavailable or do not agree on the potential impact of this missense change (SIFT: "Deleterious"; PolyPhen-2: "Not Available"; Align-GVGD: "Class C35"). In summary, the available evidence is currently insufficient to determine the role of this variant in disease. Therefore, it has been classified as a Variant of Uncertain Significance.